The following is an entry in ClinVar:

NM_001277313.2(FMN1):c.433G>A (p.Val145Met)

Gene: FMN1 (formin 1; minus strand). Cytogenetic location: 15q13.3.
Variant type: single nucleotide variant.
Coding change: c.433G>A on transcript NM_001277313.2 (MANE Select); coding-DNA position 433, G replaced by A.
Protein change: p.Val145Met; replaces valine 145 with methionine.
Molecular consequence: missense variant.
Genome position (GRCh38, 1-based): chr15:33,154,482, C>T on the plus strand (G>A on the coding strand, the complement: FMN1 is on the minus strand). VCF-style: chr15-33154482-C-T. GRCh37 (hg19) VCF-style: chr15-33446683-C-T.
Other names: c.433G>A, p.Val145Met (NM_001277314.2); short protein forms V145M.
Identifiers: ClinVar variation 3709948 (VCV003709948.2).

ClinVar aggregate classification (germline): Uncertain significance (1 of 4 stars; one submission).

gnomAD v4.1: 15 of 1,535,922 alleles (0.00098%); highest among the groups gnomAD compares: Admixed American, 0.018%; no homozygotes.

Submission:

Labcorp Genetics (formerly Invitae), Labcorp
Classification: Uncertain significance. Last evaluated: 2025-08-26. Review status: criteria provided, single submitter. Criteria: Invitae Variant Classification Sherloc (09022015). Collection method: clinical testing. Allele origin: germline.
Comment: The FMN1 gene has multiple clinically relevant transcripts. This variant occurs in alternate transcript NM_001277314.1, and corresponds to NM_001103184.3:c.-86598G>A in the primary transcript. This sequence change replaces valine, which is neutral and non-polar, with methionine, which is neutral and non-polar, at codon 145 of the FMN1 protein (p.Val145Met). This variant is present in population databases (rs550520649, gnomAD 0.01%). This variant has not been reported in the literature in individuals affected with FMN1-related conditions. Experimental studies and prediction algorithms are not available or were not evaluated, and the functional significance of this variant is currently unknown. In summary, the available evidence is currently insufficient to determine the role of this variant in disease. Therefore, it has been classified as a Variant of Uncertain Significance.